The following is an entry in ClinVar:

NM_000110.4(DPYD):c.2223G>C (p.Leu741=)

Genes: DPYD (dihydropyrimidine dehydrogenase; minus strand), DPYD-AS1 (DPYD antisense RNA 1; plus strand). Cytogenetic location: 1p21.3.
Variant type: single nucleotide variant.
Coding change: c.2223G>C on transcript NM_000110.4 (MANE Select); coding-DNA position 2223, G replaced by C.
Protein change: p.Leu741=; no amino-acid change (leucine 741 retained).
Molecular consequence: synonymous variant.
Genome position (GRCh38, 1-based): chr1:97,305,335, C>G on the plus strand (G>C on the coding strand, the complement: DPYD is on the minus strand). VCF-style: chr1-97305335-C-G. GRCh37 (hg19) VCF-style: chr1-97770891-C-G.
Identifiers: ClinVar variation 2638936 (VCV002638936.24), dbSNP rs1397691452, ClinGen allele CA419137459.

ClinVar aggregate classification (germline): Likely benign (1 of 4 stars; one submission).

Allele frequency attached by ClinVar (database versions not stated): TOPMed below 0.00001; gnomAD 0.00001.
gnomAD v4.1: 6 of 1,612,376 alleles (0.00037%); highest among the groups gnomAD compares: Non-Finnish European, 0.00051%; no homozygotes.

Submission:

CeGaT Center for Human Genetics Tuebingen
Classification: Likely benign. Last evaluated: 2023-05-01. Review status: criteria provided, single submitter. Criteria: CeGaT Center For Human Genetics Tuebingen Variant Classification Criteria Version 2. Collection method: clinical testing. Allele origin: germline. Affected: yes. Observed: 1 variant allele.
Comment: DPYD: BP4, BP7